The following is an entry in ClinVar:

ClinVar aggregate classification (germline): Likely benign. Review status: criteria provided, multiple submitters, no conflicts (2 of 4 stars). 3 submissions from 3 submitters: Likely benign (3). Last evaluated 2025-09-24.

Conditions:
Stormorken syndrome (STRMK). Also called: THROMBOCYTOPATHY, ASPLENIA, AND MIOSIS. Identifiers: Orphanet 3204, MedGen C1861451, MONDO:0008497, OMIM 185070.
Combined immunodeficiency due to STIM1 deficiency. Also called: STIM1 DEFICIENCY; IMMUNODEFICIENCY 10. Identifiers: Orphanet 169090, Orphanet 317430, MedGen C2748557, MONDO:0013008, OMIM 612783.
Myopathy with tubular aggregates (TAM). Also called: Tubular Aggregate Myopathy. Identifiers: Orphanet 2593, MedGen C0410207, MONDO:0008051.

Allele frequency attached by ClinVar (database versions not stated): ExAC 0.00001; gnomAD exomes 0.00001; TOPMed 0.00001; gnomAD 0.00004 and 0.00005; 1000 Genomes Project 30x 0.00031; 1000 Genomes Project 0.00040.
gnomAD v4.1: 19 of 1,614,212 alleles (0.0012%); highest among the groups gnomAD compares: Admixed American, 0.032%; 1 homozygote.

Submissions (3):

Mayo Clinic Laboratories, Mayo Clinic
Classification: Likely benign. Last evaluated: 2025-09-24. Review status: criteria provided, single submitter. Criteria: ACMG Guidelines, 2015. Collection method: clinical testing. Allele origin: germline. Observed: 1 variant allele.
Comment: BP4, BP7

Labcorp Genetics (formerly Invitae), Labcorp
Classification: Likely benign for Myopathy with tubular aggregates; Combined immunodeficiency due to STIM1 deficiency; Stormorken syndrome. Last evaluated: 2025-08-19. Review status: criteria provided, single submitter. Criteria: Invitae Variant Classification Sherloc (09022015). Collection method: clinical testing. Allele origin: germline.

Blueprint Genetics
Classification: Likely benign. Last evaluated: 2022-09-07. Review status: criteria provided, single submitter. Criteria: ACMG Guidelines, 2015. Collection method: clinical testing. Allele origin: germline.

NM_001382567.1(STIM1):c.177G>A (p.Glu59=)

Gene: STIM1 (stromal interaction molecule 1; plus strand). Cytogenetic location: 11p15.4.
Variant type: single nucleotide variant.
Coding change: c.177G>A on transcript NM_001382567.1 (MANE Select); coding-DNA position 177, G replaced by A.
Protein change: p.Glu59=; no amino-acid change (glutamic acid 59 retained).
Molecular consequence: synonymous variant. On other transcripts: 5 prime UTR variant (8), non-coding transcript variant (3), intron variant (4).
Genome position (GRCh38, 1-based): chr11:3,967,589, G>A. VCF-style: chr11-3967589-G-A. GRCh37 (hg19) VCF-style: chr11-3988819-G-A.
Other names: p.Glu59=; c.177G>A, p.Glu59= (NM_001277961.3, NM_001277962.2, NM_001382568.1 and 3 more transcripts); c.-46G>A (NM_001382566.1, NM_001382573.1, NM_001382574.1 and 5 more transcripts); c.-219-56284G>A (NM_001382580.1, NM_001382581.1); c.136-56284G>A (NM_001382569.1); c.-98-56284G>A (NM_001382571.1).
Identifiers: ClinVar variation 706287 (VCV000706287.13), dbSNP rs553909431, ClinGen allele CA5830151.